The following is an entry in ClinVar:

ClinVar aggregate classification (germline): Uncertain significance. Review status: criteria provided, multiple submitters, no conflicts (2 of 4 stars). 2 submissions from 2 submitters: Uncertain significance (2). Last evaluated 2023-10-31.

Conditions:
Developmental and epileptic encephalopathy, 36 (DEE36). Also called: Epileptic encephalopathy, early infantile, 36; Congenital disorder of glycosylation, type Is; ALG13-CDG. Identifiers: Orphanet 324422, MedGen C4317295, MONDO:0010472, OMIM 300884.

gnomAD v4.1: 3 of 1,208,595 alleles (0.00025%); highest among the groups gnomAD compares: South Asian, 0.0053%; no homozygotes.

Submissions (2):

GeneDx
Classification: Uncertain significance. Last evaluated: 2023-10-31. Review status: criteria provided, single submitter. Criteria: GeneDx Variant Classification Process June 2021. Collection method: clinical testing. Allele origin: germline. Affected: yes.
Comment: Not observed at significant frequency in large population cohorts (gnomAD); In silico analysis supports that this missense variant does not alter protein structure/function; Has not been previously published as pathogenic or benign to our knowledge

Labcorp Genetics (formerly Invitae), Labcorp
Classification: Uncertain significance for Developmental and epileptic encephalopathy, 36. Last evaluated: 2021-09-24. Review status: criteria provided, single submitter. Criteria: Invitae Variant Classification Sherloc (09022015). Collection method: clinical testing. Allele origin: germline.
Comment: This sequence change replaces isoleucine with valine at codon 1042 of the ALG13 protein (p.Ile1042Val). The isoleucine residue is weakly conserved and there is a small physicochemical difference between isoleucine and valine. This variant is not present in population databases (ExAC no frequency). This variant has not been reported in the literature in individuals with ALG13-related conditions. Algorithms developed to predict the effect of missense changes on protein structure and function output the following: SIFT: "Tolerated"; PolyPhen-2: "Benign"; Align-GVGD: "Class C0". The valine amino acid residue is found in multiple mammalian species, suggesting that this missense change does not adversely affect protein function. These predictions have not been confirmed by published functional studies and their clinical significance is uncertain. In summary, the available evidence is currently insufficient to determine the role of this variant in disease. Therefore, it has been classified as a Variant of Uncertain Significance.

NM_001099922.3(ALG13):c.3124A>G (p.Ile1042Val)

Gene: ALG13 (ALG13 UDP-N-acetylglucosaminyltransferase subunit; plus strand). Cytogenetic location: Xq23.
Variant type: single nucleotide variant.
Coding change: c.3124A>G on transcript NM_001099922.3 (MANE Select); coding-DNA position 3124, A replaced by G.
Protein change: p.Ile1042Val; replaces isoleucine 1042 with valine.
Molecular consequence: missense variant. On other transcripts: non-coding transcript variant (1).
Genome position (GRCh38, 1-based): chrX:111,757,738, A>G. VCF-style: chrX-111757738-A-G. GRCh37 (hg19) VCF-style: chrX-111000966-A-G.
Other names: c.2575A>G, p.Ile859Val (NM_001257230.2, NM_001257234.2, NM_001257237.2); c.2890A>G, p.Ile964Val (NM_001257231.2); c.2887A>G, p.Ile963Val (NM_001324292.2); c.2401A>G, p.Ile801Val (NM_001324293.1); c.3124A>G (NM_001099922.2); short protein forms I1042V, I801V, I964V, I859V, I963V.
Identifiers: ClinVar variation 1420798 (VCV001420798.6), dbSNP rs2148514763, ClinGen allele CA414292823.